The following is an entry in ClinVar:

NM_002016.2(FLG):c.2366G>A (p.Arg789His)

Genes: CCDST (cervical cancer associated DHX9 suppressive transcript; plus strand), FLG (filaggrin; minus strand). Cytogenetic location: 1q21.3.
Variant type: single nucleotide variant.
Coding change: c.2366G>A on transcript NM_002016.2 (MANE Select); coding-DNA position 2366, G replaced by A.
Protein change: p.Arg789His; replaces arginine 789 with histidine.
Molecular consequence: missense variant.
Genome position (GRCh38, 1-based): chr1:152,312,520, C>T on the plus strand (G>A on the coding strand, the complement: FLG is on the minus strand). VCF-style: chr1-152312520-C-T. GRCh37 (hg19) VCF-style: chr1-152284996-C-T.
Other names: short protein forms R789H.
Identifiers: ClinVar variation 3354719 (VCV003354719.3).

ClinVar aggregate classification (germline): Likely benign. Review status: criteria provided, single submitter (1 of 4 stars). 2 submissions from 2 submitters: Likely benign (1). 1 of the submissions does not count toward it. Last evaluated 2026-04-01.

Conditions:
FLG-related disorder. Also called: FLG-related condition; FLG-related disorders.

gnomAD v4.1: 2,869 of 1,613,490 alleles (0.18%); highest among the groups gnomAD compares: Admixed American, 0.18%; 11 homozygotes.

Submissions (2):

CeGaT Center for Human Genetics Tuebingen
Classification: Likely benign. Last evaluated: 2026-04-01. Review status: criteria provided, single submitter. Criteria: CeGaT Center For Human Genetics Tuebingen Variant Classification Criteria Version 2. Collection method: clinical testing. Allele origin: germline. Affected: yes. Observed: 1 variant allele.
Comment: FLG: BP4, BS2

PreventionGenetics, part of Exact Sciences
Classification: Likely benign for FLG-related condition. Last evaluated: 2024-09-29. Review status: no assertion criteria provided. Collection method: clinical testing. Allele origin: germline. Not counted in ClinVar's aggregate classification.
Comment: This variant is classified as likely benign based on ACMG/AMP sequence variant interpretation guidelines (Richards et al. 2015 PMID: 25741868, with internal and published modifications).